The following is an entry in ClinVar:

NM_001369.3(DNAH5):c.382G>A (p.Val128Met)

Gene: DNAH5 (dynein axonemal heavy chain 5; minus strand). Cytogenetic location: 5p15.2.
Variant type: single nucleotide variant.
Coding change: c.382G>A on transcript NM_001369.3 (MANE Select); coding-DNA position 382, G replaced by A.
Protein change: p.Val128Met; replaces valine 128 with methionine.
Molecular consequence: missense variant.
Genome position (GRCh38, 1-based): chr5:13,923,336, C>T on the plus strand (G>A on the coding strand, the complement: DNAH5 is on the minus strand). VCF-style: chr5-13923336-C-T. GRCh37 (hg19) VCF-style: chr5-13923445-C-T.
Other names: short protein forms V128M.
Identifiers: ClinVar variation 561151 (VCV000561151.28), dbSNP rs200553244, ClinGen allele CA3205198.

ClinVar aggregate classification (germline): Conflicting classifications of pathogenicity. Review status: criteria provided, conflicting classifications (1 of 4 stars). 7 submissions from 7 submitters: Uncertain significance (5); Benign (1). 1 of the submissions does not count toward it. Last evaluated 2025-09-25.

Conditions:
Primary ciliary dyskinesia. Also called: Ciliary dyskinesia. Identifiers: Orphanet 244, MedGen C0008780, MONDO:0016575, HP:0012265.
Primary ciliary dyskinesia 3. Identifiers: Orphanet 244, MedGen C1837618, MONDO:0012085, OMIM 608644.

Allele frequency attached by ClinVar (database versions not stated): TOPMed 0.00023; gnomAD 0.00025 and 0.00026; gnomAD exomes 0.00025 and 0.00014; ESP Exome Variant Server 0.00008; 1000 Genomes Project 30x 0.00016; ExAC 0.00017; 1000 Genomes Project 0.00020.
gnomAD v4.1: 414 of 1,614,134 alleles (0.026%); highest among the groups gnomAD compares: Non-Finnish European, 0.032%; no homozygotes.

Submissions (7):

Labcorp Genetics (formerly Invitae), Labcorp
Classification: Benign for Primary ciliary dyskinesia. Last evaluated: 2025-09-25. Review status: criteria provided, single submitter. Criteria: Invitae Variant Classification Sherloc (09022015). Collection method: clinical testing. Allele origin: germline.

Blueprint Genetics
Classification: Uncertain significance. Last evaluated: 2024-09-13. Review status: criteria provided, single submitter. Criteria: ACMG Guidelines, 2015. Collection method: clinical testing. Allele origin: germline.

Molecular Genetics McLendon Clinical Laboratories, University of North Carolina at Chapel Hill
Classification: Uncertain significance for Primary ciliary dyskinesia. Last evaluated: 2024-03-19. Review status: criteria provided, single submitter. Criteria: ACMG Guidelines, 2015. Collection method: clinical testing. Allele origin: germline.

Ambry Genetics
Classification: Uncertain significance for Primary ciliary dyskinesia. Last evaluated: 2022-03-11. Review status: criteria provided, single submitter. Criteria: Ambry Variant Classification Scheme 2023. Collection method: clinical testing. Allele origin: germline.
Comment: The p.V128M variant (also known as c.382G>A), located in coding exon 4 of the DNAH5 gene, results from a G to A substitution at nucleotide position 382. The valine at codon 128 is replaced by methionine, an amino acid with highly similar properties. This amino acid position is well conserved in available vertebrate species. In addition, this alteration is predicted to be tolerated by in silico analysis. Since supporting evidence is limited at this time, the clinical significance of this alteration remains unclear.

GeneDx
Classification: Uncertain significance. Last evaluated: 2019-09-27. Review status: criteria provided, single submitter. Criteria: GeneDx Variant Classification Process June 2021. Collection method: clinical testing. Allele origin: germline. Affected: yes.
Comment: In silico analysis, which includes protein predictors and evolutionary conservation, supports that this variant does not alter protein structure/function; Has not been previously published as pathogenic or benign to our knowledge

Baylor Genetics
Classification: Uncertain significance for Primary ciliary dyskinesia 3. Last evaluated: 2017-09-01. Review status: criteria provided, single submitter. Criteria: ACMG Guidelines, 2015. Collection method: clinical testing. Allele origin: germline. Inheritance: Autosomal recessive inheritance. Affected: yes.
Comment: Heterozygotes are expected to be asymptomatic carriers.

Natera, Inc.
Classification: Uncertain significance for Primary ciliary dyskinesia. Last evaluated: 2019-10-28. Review status: no assertion criteria provided. Collection method: clinical testing. Allele origin: germline. Not counted in ClinVar's aggregate classification.

Literature cited by the submitters: PubMed 25326635 (cited by Baylor Genetics).